The following is an entry in ClinVar:

ClinVar aggregate classification (germline): Uncertain significance (1 of 4 stars; one submission).

Submission:

Labcorp Genetics (formerly Invitae), Labcorp
Classification: Uncertain significance. Last evaluated: 2022-07-05. Review status: criteria provided, single submitter. Criteria: Invitae Variant Classification Sherloc (09022015). Collection method: clinical testing. Allele origin: germline.
Comment: In summary, the available evidence is currently insufficient to determine the role of this variant in disease. Therefore, it has been classified as a Variant of Uncertain Significance. Algorithms developed to predict the effect of missense changes on protein structure and function output the following: SIFT: "Not Available"; PolyPhen-2: "Probably Damaging"; Align-GVGD: "Not Available". The proline amino acid residue is found in multiple mammalian species, which suggests that this missense change does not adversely affect protein function. ClinVar contains an entry for this variant (Variation ID: 1364411). This variant has not been reported in the literature in individuals affected with TCF3-related conditions. This variant is not present in population databases (gnomAD no frequency). This sequence change replaces serine with proline at codon 67 of the TCF3 protein (p.Ser67Pro). The serine residue is weakly conserved and there is a moderate physicochemical difference between serine and proline.

NM_003200.5(TCF3):c.199T>C (p.Ser67Pro)

Gene: TCF3 (transcription factor 3; minus strand). Cytogenetic location: 19p13.3.
Variant type: single nucleotide variant.
Coding change: c.199T>C on transcript NM_003200.5 (MANE Select); coding-DNA position 199, T replaced by C.
Protein change: p.Ser67Pro; replaces serine 67 with proline.
Molecular consequence: missense variant.
Genome position (GRCh38, 1-based): chr19:1,632,352, A>G on the plus strand (T>C on the coding strand, the complement: TCF3 is on the minus strand). VCF-style: chr19-1632352-A-G. GRCh37 (hg19) VCF-style: chr19-1632351-A-G.
Other names: c.199T>C, p.Ser67Pro (NM_001136139.4, NM_001351778.2, NM_001351779.2); short protein forms S67P.
Identifiers: ClinVar variation 1364411 (VCV001364411.6), dbSNP rs1183324909, ClinGen allele CA403080091.
Genomic context (GRCh38, chr19:1,632,352, plus strand): 5'-ACAGGAAACTCAGGGTCTCAGGCCTCACGGGGACTCCTACCCGGCTGGGGTCAAAGGAGG[A>G]GCTGCTCTGGTCGCCGCTGCCCCAGGAGCCTGAGCTGGGCCGGTCCTCAAGACCTGCAGG-3'
Protein context (NP_003191.1, residues 57-77): GSWGSGDQSS[Ser67Pro]SFDPSRTFSE